The following is an entry in ClinVar:

NM_001161352.2(KCNMA1):c.1612C>G (p.Pro538Ala)

Gene: KCNMA1 (potassium calcium-activated channel subfamily M alpha 1; minus strand). Cytogenetic location: 10q22.3.
Variant type: single nucleotide variant.
Coding change: c.1612C>G on transcript NM_001161352.2 (MANE Select); coding-DNA position 1612, C replaced by G.
Protein change: p.Pro538Ala; replaces proline 538 with alanine.
Molecular consequence: missense variant.
Genome position (GRCh38, 1-based): chr10:77,073,234, G>C on the plus strand (C>G on the coding strand, the complement: KCNMA1 is on the minus strand). VCF-style: chr10-77073234-G-C. GRCh37 (hg19) VCF-style: chr10-78832992-G-C.
Other names: c.1612C>G, p.Pro538Ala (NM_001322832.2, NM_001322835.2, NM_001322836.2 and 8 more transcripts); c.1072C>G, p.Pro358Ala (NM_001322838.2); c.1450C>G, p.Pro484Ala (NM_001271518.2); short protein forms P358A, P484A, P538A.
Identifiers: ClinVar variation 2808934 (VCV002808934.3), dbSNP rs2550660155, ClinGen allele CA377404981.
Genomic context (GRCh38, chr10:77,073,234, plus strand): 5'-AGCCCAACTTCAACTCTGCGAGGCAGATTGCGTCATCACCTTCTTTCCAATTCCAGCTCG[G>C]GATGTTTAGCAGATGGGCCTGGGGAAAGAAAAGCAGGTATGAGACCTTGCTCTGTTAAAT-3'
Protein context (NP_001154824.1, residues 528-548): YHNKAHLLNI[Pro538Ala]SWNWKEGDDA

ClinVar aggregate classification (germline): Uncertain significance (1 of 4 stars; one submission).

Conditions:
Generalized epilepsy-paroxysmal dyskinesia syndrome (PNKD3). Also called: Generalized epilepsy and paroxysmal dyskinesia; Paroxysmal nonkinesigenic dyskinesia, 3, with or without generalized epilepsy. Identifiers: Orphanet 79137, MedGen C5574945, MONDO:0012276, OMIM 609446.

Submission:

Labcorp Genetics (formerly Invitae), Labcorp
Classification: Uncertain significance for Generalized epilepsy-paroxysmal dyskinesia syndrome. Last evaluated: 2022-10-20. Review status: criteria provided, single submitter. Criteria: Invitae Variant Classification Sherloc (09022015). Collection method: clinical testing. Allele origin: germline.
Comment: This sequence change replaces proline, which is neutral and non-polar, with alanine, which is neutral and non-polar, at codon 538 of the KCNMA1 protein (p.Pro538Ala). This variant is not present in population databases (gnomAD no frequency). In summary, the available evidence is currently insufficient to determine the role of this variant in disease. Therefore, it has been classified as a Variant of Uncertain Significance. Algorithms developed to predict the effect of missense changes on protein structure and function (SIFT, PolyPhen-2, Align-GVGD) all suggest that this variant is likely to be disruptive. This variant has not been reported in the literature in individuals affected with KCNMA1-related conditions.